The following is an entry in ClinVar:

NM_004360.5(CDH1):c.*6T>C

Gene: CDH1 (cadherin 1; plus strand). Cytogenetic location: 16q22.1.
Variant type: single nucleotide variant.
Coding change: c.*6T>C on transcript NM_004360.5 (MANE Select); 6 bases downstream of the stop codon, T replaced by C.
Molecular consequence: 3 prime UTR variant.
Genome position (GRCh38, 1-based): chr16:68,833,505, T>C. VCF-style: chr16-68833505-T-C. GRCh37 (hg19) VCF-style: chr16-68867408-T-C.
Other names: c.*6T>C (NM_001317184.2, NM_001317185.2, NM_001317186.2).
Identifiers: ClinVar variation 630732 (VCV000630732.4), dbSNP rs1472521467, ClinGen allele CA623574781.

ClinVar aggregate classification (germline): Benign/Likely benign. Review status: criteria provided, multiple submitters, no conflicts (2 of 4 stars). 3 submissions from 3 submitters: Benign (1); Likely benign (2). Last evaluated 2025-12-29.

Conditions:
Hereditary cancer-predisposing syndrome. Also called: Hereditary Cancer Syndrome; Neoplastic Syndromes, Hereditary; Tumor predisposition; Hereditary neoplastic syndrome. Identifiers: Orphanet 140162, MedGen C0027672, MeSH D009386, MONDO:0015356.
Hereditary diffuse gastric adenocarcinoma (HDGC). Also called: DIFFUSE GASTRIC AND LOBULAR BREAST CANCER SYNDROME. Identifiers: Orphanet 26106, MedGen C1708349, MONDO:0007648, OMIM 137215.

Allele frequency attached by ClinVar (database versions not stated): gnomAD exomes below 0.00001 and 0.00002; TOPMed below 0.00001.
gnomAD v4.1: 24 of 1,611,720 alleles (0.0015%); highest among the groups gnomAD compares: Non-Finnish European, 0.002%; no homozygotes.

Submissions (3):

Center for Genomic Medicine, Rigshospitalet, Copenhagen University Hospital
Classification: Likely benign. Last evaluated: 2025-12-29. Review status: criteria provided, single submitter. Criteria: ACMG Guidelines, 2015. Collection method: clinical testing. Allele origin: germline.

Myriad Genetics, Inc.
Classification: Benign for Hereditary diffuse gastric adenocarcinoma. Last evaluated: 2024-09-25. Review status: criteria provided, single submitter. Criteria: Myriad Autosomal Dominant, Autosomal Recessive and X-Linked Classification Criteria (2023). Collection method: clinical testing. Allele origin: unknown.
Comment: This variant is considered benign. This variant occurs in the non-coding 3' untranslated region of the gene, and is not expected to impact protein function.

Color Diagnostics, LLC DBA Color Health
Classification: Likely benign for Hereditary cancer-predisposing syndrome. Last evaluated: 2017-10-28. Review status: criteria provided, single submitter. Criteria: ACMG Guidelines, 2015. Collection method: clinical testing. Allele origin: germline.